The following is an entry in ClinVar:

ClinVar aggregate classification (germline): Uncertain significance (1 of 4 stars; one submission).

Conditions:
Early Myoclonic Encephalopathy. Identifiers: MedGen C0270855.

gnomAD v4.1: 18 of 1,605,978 alleles (0.0011%); highest among the groups gnomAD compares: East Asian, 0.0022%; no homozygotes.

Submission:

Labcorp Genetics (formerly Invitae), Labcorp
Classification: Uncertain significance for Early Myoclonic Encephalopathy. Last evaluated: 2025-08-10. Review status: criteria provided, single submitter. Criteria: Invitae Variant Classification Sherloc (09022015). Collection method: clinical testing. Allele origin: germline.
Comment: This sequence change replaces isoleucine, which is neutral and non-polar, with methionine, which is neutral and non-polar, at codon 2529 of the JMJD1C protein (p.Ile2529Met). This variant is present in population databases (rs368071662, gnomAD 0.002%). This variant has not been reported in the literature in individuals affected with JMJD1C-related conditions. Invitae Evidence Modeling of protein sequence and biophysical properties (such as structural, functional, and spatial information, amino acid conservation, physicochemical variation, residue mobility, and thermodynamic stability) indicates that this missense variant is not expected to disrupt JMJD1C protein function with a negative predictive value of 80%. In summary, the available evidence is currently insufficient to determine the role of this variant in disease. Therefore, it has been classified as a Variant of Uncertain Significance.

NM_032776.3(JMJD1C):c.7587A>G (p.Ile2529Met)

Gene: JMJD1C (jumonji domain containing 1C; minus strand). Cytogenetic location: 10q21.3.
Variant type: single nucleotide variant.
Coding change: c.7587A>G on transcript NM_032776.3 (MANE Select); coding-DNA position 7587, A replaced by G.
Protein change: p.Ile2529Met; replaces isoleucine 2529 with methionine.
Molecular consequence: missense variant. On other transcripts: non-coding transcript variant (1).
Genome position (GRCh38, 1-based): chr10:63,168,081, T>C on the plus strand (A>G on the coding strand, the complement: JMJD1C is on the minus strand). VCF-style: chr10-63168081-T-C. GRCh37 (hg19) VCF-style: chr10-64927841-T-C.
Other names: c.7041A>G, p.Ile2347Met (NM_001282948.2, NM_001318154.2); c.6723A>G, p.Ile2241Met (NM_001318153.2); c.7473A>G, p.Ile2491Met (NM_001322252.2); c.6930A>G, p.Ile2310Met (NM_001322254.2, NM_001322258.2); short protein forms I2347M, I2491M, I2310M, I2241M, I2529M.
Identifiers: ClinVar variation 4695822 (VCV004695822.1).